The following is an entry in ClinVar:

NM_033400.3(ZFHX2):c.3503G>A (p.Arg1168His)

Genes: THTPA (thiamine triphosphatase; plus strand), ZFHX2 (zinc finger homeobox 2; minus strand). Cytogenetic location: 14q11.2.
Variant type: single nucleotide variant.
Coding change: c.3503G>A on transcript NM_033400.3 (MANE Select); coding-DNA position 3503, G replaced by A.
Protein change: p.Arg1168His; replaces arginine 1168 with histidine.
Molecular consequence: missense variant.
Genome position (GRCh38, 1-based): chr14:23,526,439, C>T on the plus strand (G>A on the coding strand, the complement: ZFHX2 is on the minus strand). VCF-style: chr14-23526439-C-T. GRCh37 (hg19) VCF-style: chr14-23995648-C-T.
Other names: short protein forms R1168H.
Identifiers: ClinVar variation 1711368 (VCV001711368.30), dbSNP rs371641089, ClinGen allele CA257794193.

ClinVar aggregate classification (germline): Likely benign (1 of 4 stars; one submission).

Allele frequency attached by ClinVar (database versions not stated): gnomAD 0.00001; TOPMed 0.00003.
gnomAD v4.1: 49 of 1,536,058 alleles (0.0032%); highest among the groups gnomAD compares: Middle Eastern, 0.017%; no homozygotes.

Submission:

CeGaT Center for Human Genetics Tuebingen
Classification: Likely benign. Last evaluated: 2022-08-01. Review status: criteria provided, single submitter. Criteria: CeGaT Center For Human Genetics Tuebingen Variant Classification Criteria Version 2. Collection method: clinical testing. Allele origin: germline. Affected: yes. Observed: 1 variant allele.
Comment: ZFHX2: BP4